The following is an entry in ClinVar:

NM_032119.4(ADGRV1):c.13017T>A (p.Asp4339Glu)

Gene: ADGRV1 (adhesion G protein-coupled receptor V1; plus strand). Cytogenetic location: 5q14.3.
Variant type: single nucleotide variant.
Coding change: c.13017T>A on transcript NM_032119.4 (MANE Select); coding-DNA position 13017, T replaced by A.
Protein change: p.Asp4339Glu; replaces aspartic acid 4339 with glutamic acid.
Molecular consequence: missense variant. On other transcripts: non-coding transcript variant (1).
Genome position (GRCh38, 1-based): chr5:90,779,032, T>A. VCF-style: chr5-90779032-T-A. GRCh37 (hg19) VCF-style: chr5-90074849-T-A.
Other names: short protein forms D4339E.
Identifiers: ClinVar variation 1318922 (VCV001318922.6), dbSNP rs780334804, ClinGen allele CA3341404.

ClinVar aggregate classification (germline): Conflicting classifications of pathogenicity. Review status: criteria provided, conflicting classifications (1 of 4 stars). 3 submissions from 3 submitters: Uncertain significance (2); Likely benign (1). Last evaluated 2024-02-14.

Conditions:
Inborn genetic diseases. Identifiers: MedGen C0950123, MeSH D030342.

Allele frequency attached by ClinVar (database versions not stated): gnomAD exomes below 0.00001; TOPMed below 0.00001; ExAC 0.00001; gnomAD 0.00001.
gnomAD v4.1: 6 of 1,613,356 alleles (0.00037%); highest among the groups gnomAD compares: African/African-American, 0.0053%; no homozygotes.

Submissions (3):

Labcorp Genetics (formerly Invitae), Labcorp
Classification: Likely benign. Last evaluated: 2024-02-14. Review status: criteria provided, single submitter. Criteria: Invitae Variant Classification Sherloc (09022015). Collection method: clinical testing. Allele origin: germline.

Ambry Genetics
Classification: Uncertain significance for Inborn genetic diseases. Last evaluated: 2021-10-12. Review status: criteria provided, single submitter. Criteria: Ambry Variant Classification Scheme 2023. Collection method: clinical testing. Allele origin: germline.

GeneDx
Classification: Uncertain significance. Last evaluated: 2019-02-11. Review status: criteria provided, single submitter. Criteria: GeneDx Variant Classification Process June 2021. Collection method: clinical testing. Allele origin: germline. Affected: yes.
Comment: In silico analysis, which includes protein predictors and evolutionary conservation, supports that this variant does not alter protein structure/function; Has not been previously published as pathogenic or benign to our knowledge